The following is an entry in ClinVar:

ClinVar aggregate classification (germline): Conflicting classifications of pathogenicity. Review status: criteria provided, conflicting classifications (1 of 4 stars). 2 submissions from 2 submitters: Uncertain significance (1); Likely benign (1). Last evaluated 2023-11-02.

Conditions:
Inborn genetic diseases. Identifiers: MedGen C0950123, MeSH D030342.

Allele frequency attached by ClinVar (database versions not stated): TOPMed 0.00002; ExAC 0.00002; gnomAD 0.00001; gnomAD exomes 0.00002.
gnomAD v4.1: 31 of 1,613,902 alleles (0.0019%); highest among the groups gnomAD compares: South Asian, 0.0055%; no homozygotes.

Submissions (2):

Ambry Genetics
Classification: Likely benign for Inborn genetic diseases. Last evaluated: 2023-11-02. Review status: criteria provided, single submitter. Criteria: Ambry Variant Classification Scheme 2023. Collection method: clinical testing. Allele origin: germline.

Labcorp Genetics (formerly Invitae), Labcorp
Classification: Uncertain significance. Last evaluated: 2021-10-12. Review status: criteria provided, single submitter. Criteria: Invitae Variant Classification Sherloc (09022015). Collection method: clinical testing. Allele origin: germline.
Comment: This sequence change replaces valine with methionine at codon 669 of the EPS8 protein (p.Val669Met). The valine residue is weakly conserved and there is a small physicochemical difference between valine and methionine. The frequency data for this variant in the population databases is considered unreliable, as metrics indicate poor data quality at this position in the ExAC database. This variant has not been reported in the literature in individuals affected with EPS8-related conditions. Algorithms developed to predict the effect of missense changes on protein structure and function output the following: SIFT: "Not Available"; PolyPhen-2: "Benign"; Align-GVGD: "Not Available". The methionine amino acid residue is found in multiple mammalian species, which suggests that this missense change does not adversely affect protein function. In summary, the available evidence is currently insufficient to determine the role of this variant in disease. Therefore, it has been classified as a Variant of Uncertain Significance.

NM_004447.6(EPS8):c.2005G>A (p.Val669Met)

Gene: EPS8 (EGFR pathway substrate 8, signaling adaptor; minus strand). Cytogenetic location: 12p12.3.
Variant type: single nucleotide variant.
Coding change: c.2005G>A on transcript NM_004447.6 (MANE Select); coding-DNA position 2005, G replaced by A.
Protein change: p.Val669Met; replaces valine 669 with methionine.
Molecular consequence: missense variant.
Genome position (GRCh38, 1-based): chr12:15,631,481, C>T on the plus strand (G>A on the coding strand, the complement: EPS8 is on the minus strand). VCF-style: chr12-15631481-C-T. GRCh37 (hg19) VCF-style: chr12-15784415-C-T.
Other names: c.2005G>A (NM_004447.5); short protein forms V669M.
Identifiers: ClinVar variation 1474135 (VCV001474135.4), dbSNP rs773161130, ClinGen allele CA6467387.